The following is an entry in ClinVar:

NM_015041.3(CLUAP1):c.89C>G (p.Pro30Arg)

Gene: CLUAP1 (clusterin associated protein 1; plus strand). Cytogenetic location: 16p13.3.
Variant type: single nucleotide variant.
Coding change: c.89C>G on transcript NM_015041.3 (MANE Select); coding-DNA position 89, C replaced by G.
Protein change: p.Pro30Arg; replaces proline 30 with arginine.
Molecular consequence: missense variant.
Genome position (GRCh38, 1-based): chr16:3,504,786, C>G. VCF-style: chr16-3504786-C-G. GRCh37 (hg19) VCF-style: chr16-3554786-C-G.
Other names: c.89C>G, p.Pro30Arg (NM_001330454.2); short protein forms P30R.
Identifiers: ClinVar variation 854630 (VCV000854630.10), dbSNP rs1184710527, ClinGen allele CA394510758.
Genomic context (GRCh38, chr16:3,504,786, plus strand): 5'-CAGAGATGATGAGAGCCCTGGGATACCCTCGACATATTTCTATGGAAAATTTCCGTACAC[C>G]CAATTTTGGACTTGTATCTGAAGTGCTTCTCTGGCTTGTGAAAAGGTTCGAACGGCACTT-3'
Protein context (NP_055856.1, residues 20-40): RHISMENFRT[Pro30Arg]NFGLVSEVLL

ClinVar aggregate classification (germline): Uncertain significance (1 of 4 stars; one submission).

Allele frequency attached by ClinVar (database versions not stated): TOPMed 0.00001.
gnomAD v4.1: 17 of 1,613,308 alleles (0.0011%); highest among the groups gnomAD compares: Non-Finnish European, 0.0014%; no homozygotes.

Submission:

Labcorp Genetics (formerly Invitae), Labcorp
Classification: Uncertain significance. Last evaluated: 2023-02-08. Review status: criteria provided, single submitter. Criteria: Invitae Variant Classification Sherloc (09022015). Collection method: clinical testing. Allele origin: germline.
Comment: This variant is not present in population databases (gnomAD no frequency). This variant has not been reported in the literature in individuals affected with CLUAP1-related conditions. ClinVar contains an entry for this variant (Variation ID: 854630). Advanced modeling of protein sequence and biophysical properties (such as structural, functional, and spatial information, amino acid conservation, physicochemical variation, residue mobility, and thermodynamic stability) performed at Invitae indicates that this missense variant is expected to disrupt CLUAP1 protein function. In summary, the available evidence is currently insufficient to determine the role of this variant in disease. Therefore, it has been classified as a Variant of Uncertain Significance. This sequence change replaces proline, which is neutral and non-polar, with arginine, which is basic and polar, at codon 30 of the CLUAP1 protein (p.Pro30Arg).